The following is an entry in ClinVar:

NM_004168.4(SDHA):c.613T>G (p.Tyr205Asp)

Gene: SDHA (succinate dehydrogenase complex flavoprotein subunit A; plus strand). Cytogenetic location: 5p15.33.
Variant type: single nucleotide variant.
Coding change: c.613T>G on transcript NM_004168.4 (MANE Select); coding-DNA position 613, T replaced by G.
Protein change: p.Tyr205Asp; replaces tyrosine 205 with aspartic acid.
Molecular consequence: missense variant.
Genome position (GRCh38, 1-based): chr5:226,039, T>G. VCF-style: chr5-226039-T-G. GRCh37 (hg19) VCF-style: chr5-226154-T-G.
Other names: c.469T>G, p.Tyr157Asp (NM_001294332.2); c.613T>G, p.Tyr205Asp (NM_001330758.2); short protein forms Y157D, Y205D.
Identifiers: ClinVar variation 3438676 (VCV003438676.2).
Genomic context (GRCh38, chr5:226,039, plus strand): 5'-CAGGCCCATCGGTGCTGCTGTGTGGCTGATCGGACTGGCCACTCGCTATTGCACACCTTA[T>G]ATGGAAGGGTAAGGCCGCCCCCGTCCACCTGAGACAGGACACGTAGTGCTGGGGCTTATG-3'
Protein context (NP_004159.2, residues 195-215): RTGHSLLHTL[Tyr205Asp]GRSLRYDTSY

ClinVar aggregate classification (germline): Uncertain significance (1 of 4 stars; one submission).

Conditions:
Hereditary cancer-predisposing syndrome. Also called: Tumor predisposition; Hereditary Cancer Syndrome; Hereditary neoplastic syndrome; Neoplastic Syndromes, Hereditary. Identifiers: Orphanet 140162, MedGen C0027672, MeSH D009386, MONDO:0015356.

Submission:

Ambry Genetics
Classification: Uncertain significance for Hereditary cancer-predisposing syndrome. Last evaluated: 2026-06-16. Review status: criteria provided, single submitter. Criteria: Ambry Variant Classification Scheme 2023. Collection method: clinical testing. Allele origin: germline.
Comment: The p.Y205D variant (also known as c.613T>G), located in coding exon 5 of the SDHA gene, results from a T to G substitution at nucleotide position 613. The tyrosine at codon 205 is replaced by aspartic acid, an amino acid with highly dissimilar properties. This amino acid position is highly conserved in available vertebrate species. In addition, this alteration is predicted to be deleterious by in silico analysis. Based on the available evidence, the clinical significance of this variant remains unclear.